The following is an entry in ClinVar:

ClinVar aggregate classification (germline): Uncertain significance (1 of 4 stars; one submission).

gnomAD v4.1: 2 of 1,613,412 alleles (0.00012%); highest among the groups gnomAD compares: Admixed American, 0.0033%; no homozygotes.

Submission:

GeneDx
Classification: Uncertain significance. Last evaluated: 2025-11-11. Review status: criteria provided, single submitter. Criteria: GeneDx Variant Classification Process June 2021. Collection method: clinical testing. Allele origin: germline. Affected: yes.
Comment: Not observed at significant frequency in large population cohorts (gnomAD); In silico analysis supports that this missense variant has a deleterious effect on protein structure/function; Has not been previously published as pathogenic or benign to our knowledge

NM_015634.4(KIFBP):c.322A>T (p.Thr108Ser)

Gene: KIFBP (kinesin family binding protein; plus strand). Cytogenetic location: 10q22.1.
Variant type: single nucleotide variant.
Coding change: c.322A>T on transcript NM_015634.4 (MANE Select); coding-DNA position 322, A replaced by T.
Protein change: p.Thr108Ser; replaces threonine 108 with serine.
Molecular consequence: missense variant.
Genome position (GRCh38, 1-based): chr10:68,989,154, A>T. VCF-style: chr10-68989154-A-T. GRCh37 (hg19) VCF-style: chr10-70748910-A-T.
Other names: short protein forms T108S.
Identifiers: ClinVar variation 3600752 (VCV003600752.2).